The following is an entry in ClinVar:

NM_001371928.1(AHDC1):c.4585C>G (p.Arg1529Gly)

Gene: AHDC1 (AT-hook DNA binding motif containing 1; minus strand). Cytogenetic location: 1p36.11.
Variant type: single nucleotide variant.
Coding change: c.4585C>G on transcript NM_001371928.1 (MANE Select); coding-DNA position 4585, C replaced by G.
Protein change: p.Arg1529Gly; replaces arginine 1529 with glycine.
Molecular consequence: missense variant.
Genome position (GRCh38, 1-based): chr1:27,547,531, G>C on the plus strand (C>G on the coding strand, the complement: AHDC1 is on the minus strand). VCF-style: chr1-27547531-G-C. GRCh37 (hg19) VCF-style: chr1-27874042-G-C.
Other names: c.4585C>G, p.Arg1529Gly (NM_001029882.3); short protein forms R1529G.
Identifiers: ClinVar variation 3649919 (VCV003649919.2).

ClinVar aggregate classification (germline): Uncertain significance (1 of 4 stars; one submission).

gnomAD v4.1: 3 of 1,610,930 alleles (0.00019%); highest among the groups gnomAD compares: Non-Finnish European, 0.00025%; no homozygotes.

Submission:

Labcorp Genetics (formerly Invitae), Labcorp
Classification: Uncertain significance. Last evaluated: 2024-04-15. Review status: criteria provided, single submitter. Criteria: Invitae Variant Classification Sherloc (09022015). Collection method: clinical testing. Allele origin: germline.
Comment: This sequence change replaces arginine, which is basic and polar, with glycine, which is neutral and non-polar, at codon 1529 of the AHDC1 protein (p.Arg1529Gly). This variant is present in population databases (no rsID available, gnomAD 0.007%). This variant has not been reported in the literature in individuals affected with AHDC1-related conditions. An algorithm developed to predict the effect of missense changes on protein structure and function (PolyPhen-2) suggests that this variant is likely to be tolerated. In summary, the available evidence is currently insufficient to determine the role of this variant in disease. Therefore, it has been classified as a Variant of Uncertain Significance.